The following is an entry in ClinVar:

NM_020066.5(FMN2):c.3021C>A (p.Gly1007=)

Gene: FMN2 (formin 2; plus strand). Cytogenetic location: 1q43.
Variant type: single nucleotide variant.
Coding change: c.3021C>A on transcript NM_020066.5 (MANE Select); coding-DNA position 3021, C replaced by A.
Protein change: p.Gly1007=; no amino-acid change (glycine 1007 retained).
Molecular consequence: synonymous variant. On other transcripts: intron variant (1).
Genome position (GRCh38, 1-based): chr1:240,207,833, C>A. VCF-style: chr1-240207833-C-A. GRCh37 (hg19) VCF-style: chr1-240371133-C-A.
Other names: c.3033C>A, p.Gly1011= (NM_001305424.2); c.1986+19571C>A (NM_001348094.2).
Identifiers: ClinVar variation 3036846 (VCV003036846.15), dbSNP rs762386045, ClinGen allele CA1476989.

ClinVar aggregate classification (germline): Likely benign. Review status: criteria provided, multiple submitters, no conflicts (2 of 4 stars). 2 submissions from 2 submitters: Likely benign (2). Last evaluated 2026-05-01.

Conditions:
FMN2-related disorder. Also called: FMN2-related condition.

Allele frequency attached by ClinVar (database versions not stated): ExAC 0.00002; gnomAD exomes 0.00025.

Submissions (2):

CeGaT Center for Human Genetics Tuebingen
Classification: Likely benign. Last evaluated: 2026-05-01. Review status: criteria provided, single submitter. Criteria: CeGaT Center For Human Genetics Tuebingen Variant Classification Criteria Version 2. Collection method: clinical testing. Allele origin: germline. Affected: yes. Observed: 3 variant alleles.
Comment: FMN2: BP4, BP7

PreventionGenetics, part of Exact Sciences
Classification: Likely benign for FMN2-related condition. Last evaluated: 2020-09-28. Review status: criteria provided, single submitter. Criteria: ACMG Guidelines, 2015. Collection method: clinical testing. Allele origin: germline.
Comment: This variant is classified as likely benign based on ACMG/AMP sequence variant interpretation guidelines (Richards et al. 2015 PMID: 25741868, with internal and published modifications).